The following is an entry in ClinVar:

NM_000540.3(RYR1):c.1630G>T (p.Asp544Tyr)

Gene: RYR1 (ryanodine receptor 1; plus strand). Cytogenetic location: 19q13.2.
Variant type: single nucleotide variant.
Coding change: c.1630G>T on transcript NM_000540.3 (MANE Select); coding-DNA position 1630, G replaced by T.
Protein change: p.Asp544Tyr; replaces aspartic acid 544 with tyrosine.
Molecular consequence: missense variant.
Genome position (GRCh38, 1-based): chr19:38,455,504, G>T. VCF-style: chr19-38455504-G-T. GRCh37 (hg19) VCF-style: chr19-38946144-G-T.
Other names: c.1630G>T, p.Asp544Tyr (NM_001042723.2); c.1630G>T (NM_000540.2); short protein forms D544Y.
Identifiers: ClinVar variation 1210298 (VCV001210298.5), dbSNP rs113812662, ClinGen allele CA308123345.

ClinVar aggregate classification (germline): Likely pathogenic. Review status: reviewed by expert panel (3 of 4 stars). 3 submissions from 3 submitters: Likely pathogenic (1). 2 of the submissions do not count toward it. Last evaluated 2025-08-01.

Conditions:
Congenital multicore myopathy with external ophthalmoplegia (CMYO1B). Also called: Congenital myopathy 1B, autosomal recessive; Minicore myopathy; MULTICORE MYOPATHY; Minicore myopathy with external ophthalmoplegia; MULTIMINICORE DISEASE WITH EXTERNAL OPHTHALMOPLEGIA. Identifiers: Orphanet 598, Orphanet 98905, MedGen C1850674, MONDO:0009712, OMIM 255320, HP:0003789.
Central core myopathy (CMYO1A). Also called: Central core disease; Myopathy, central fibrillar; CONGENITAL MYOPATHY 1A, AUTOSOMAL DOMINANT, WITH SUSCEPTIBILITY TO MALIGNANT HYPERTHERMIA. Identifiers: Orphanet 597, MedGen C5830701, MONDO:0007294, OMIM 117000.
Malignant hyperthermia, susceptibility to, 1 (MHS1). Also called: RYR1-Related Malignant Hyperthermia Susceptibility; Anesthesia related hyperthermia; Malignant hyperpyrexia; Fulminating hyperpyrexia; Pharmacogenic myopathy; Malignant hyperthermia suceptibility 1. Identifiers: Orphanet 423, MedGen C2930980, MONDO:0007783, OMIM 145600.

Submissions (3):

ClinGen Malignant Hyperthermia Susceptibility Variant Curation Expert Panel, ClinGen
Classification: Likely pathogenic for Malignant hyperthermia, susceptibility to, 1. Last evaluated: 2025-08-01. Review status: reviewed by expert panel. Criteria: ClinGen MHS ACMG Specifications V2. Collection method: curation. Allele origin: germline. Inheritance: Autosomal dominant inheritance.
Comment: This pathogenicity assessment is relevant only for malignant hyperthermia susceptibility (MHS) inherited in an autosomal dominant pattern. Variants in RYR1 can also cause other myopathies inherited in an autosomal dominant pattern or in an autosomal recessive pattern. Some of these disorders may predispose individuals to malignant hyperthermia. RYR1 variants may also contribute to a malignant hyperthermia reaction in combination with other genetic and non-genetic factors and the clinician needs to consider such factors in making management decisions. This sequence variant predicts a substitution of aspartic acid with tyrosine at codon 544 of the RYR1 protein, p.Asp544Tyr. This variant was not present in a large population database (gnomAD) at the time this variant was interpreted. This variant has been reported in an individual who had a personal or family history of a malignant hyperthermia reaction, this individual had a positive in vitro contracture test (IVCT) or caffeine halothane contracture test (CHCT) result (if the proband was unavailable for testing, a positive diagnostic test result in a mutation-positive relative was counted), PS4_Supporting (PMID:19191329). No functional studies were identified for this variant. This variant resides in a region of RYR1 considered to be a hotspot for pathogenic variants that contribute to MHS, PM1 (PMID: 21118704). This variant segregates with MHS in four individuals, PP1_Supporting (PMID:19191329). A REVEL score >0.85 (0.924) supports a pathogenic status for this variant, PP3_Moderate. This variant has been classified as Likely Pathogenic. Criteria implemented: PS4_Supporting, PM1, PP1_Supporting, PP3_Moderate.

GeneDx
Classification: Likely pathogenic. Last evaluated: 2025-06-17. Review status: criteria provided, single submitter. Criteria: GeneDx Variant Classification Process June 2021. Collection method: clinical testing. Allele origin: germline. Affected: yes. Not counted in ClinVar's aggregate classification.
Comment: Not observed at significant frequency in large population cohorts (gnomAD); In silico analysis supports that this missense variant has a deleterious effect on protein structure/function; This variant is associated with the following publications: (PMID: 19191329, 33767344)

Kariminejad - Najmabadi Pathology & Genetics Center
Classification: Likely pathogenic for Central core myopathy; Congenital multicore myopathy with external ophthalmoplegia. Last evaluated: 2023-10-07. Review status: criteria provided, single submitter. Criteria: ACMG Guidelines, 2015. Collection method: clinical testing. Allele origin: germline. Inheritance: Autosomal dominant inheritance. Affected: yes. Not counted in ClinVar's aggregate classification.
Comment: PM1- PM2- PP3- Strong